The following is an entry in ClinVar:

ClinVar aggregate classification (germline): Uncertain significance (1 of 4 stars; one submission).

Allele frequency attached by ClinVar (database versions not stated): gnomAD exomes below 0.00001 and 0.00002; TOPMed below 0.00001; ExAC 0.00002.
gnomAD v4.1: 5 of 1,613,216 alleles (0.00031%); highest among the groups gnomAD compares: Admixed American, 0.005%; no homozygotes.

Submission:

Labcorp Genetics (formerly Invitae), Labcorp
Classification: Uncertain significance. Last evaluated: 2022-10-13. Review status: criteria provided, single submitter. Criteria: Invitae Variant Classification Sherloc (09022015). Collection method: clinical testing. Allele origin: germline.
Comment: This sequence change replaces arginine, which is basic and polar, with histidine, which is basic and polar, at codon 66 of the ADAMTSL4 protein (p.Arg66His). This variant is present in population databases (rs757553666, gnomAD 0.006%). This variant has not been reported in the literature in individuals affected with ADAMTSL4-related conditions. ClinVar contains an entry for this variant (Variation ID: 1433731). Advanced modeling of protein sequence and biophysical properties (such as structural, functional, and spatial information, amino acid conservation, physicochemical variation, residue mobility, and thermodynamic stability) performed at Invitae indicates that this missense variant is not expected to disrupt ADAMTSL4 protein function. In summary, the available evidence is currently insufficient to determine the role of this variant in disease. Therefore, it has been classified as a Variant of Uncertain Significance.

NM_019032.6(ADAMTSL4):c.197G>A (p.Arg66His)

Genes: ADAMTSL4 (ADAMTS like 4; plus strand), ADAMTSL4-AS2 (ADAMTSL4 antisense RNA 2; minus strand). Cytogenetic location: 1q21.2.
Variant type: single nucleotide variant.
Coding change: c.197G>A on transcript NM_019032.6 (MANE Select); coding-DNA position 197, G replaced by A.
Protein change: p.Arg66His; replaces arginine 66 with histidine.
Molecular consequence: missense variant.
Genome position (GRCh38, 1-based): chr1:150,553,016, G>A. VCF-style: chr1-150553016-G-A. GRCh37 (hg19) VCF-style: chr1-150525492-G-A.
Other names: c.197G>A, p.Arg66His (NM_001288607.2, NM_001288608.2, NM_001378596.1 and 1 more transcripts); short protein forms R66H.
Identifiers: ClinVar variation 1433731 (VCV001433731.3), dbSNP rs757553666, ClinGen allele CA1077896.